The following is an entry in ClinVar:

ClinVar aggregate classification (germline): Conflicting classifications of pathogenicity. Review status: criteria provided, conflicting classifications (1 of 4 stars). 2 submissions from 2 submitters: Uncertain significance (1); Likely benign (1). Last evaluated 2025-05-04.

Conditions:
Hereditary breast ovarian cancer syndrome. Also called: Hereditary breast and ovarian cancer syndrome (HBOC); Breast and ovarian cancer; Hereditary breast and ovarian cancer; BRCA1- and BRCA2-Associated Hereditary Breast and Ovarian Cancer; Hereditary breast and ovarian cancer syndrome; Hereditary breast and/or ovarian cancer syndrome. Identifiers: Orphanet 145, MedGen C0677776, MeSH D061325, MONDO:0003582. Disease mechanism: loss of function.
Hereditary cancer-predisposing syndrome. Also called: Tumor predisposition; Hereditary neoplastic syndrome; Hereditary Cancer Syndrome; Neoplastic Syndromes, Hereditary. Identifiers: Orphanet 140162, MedGen C0027672, MeSH D009386, MONDO:0015356.

Submissions (2):

Ambry Genetics
Classification: Likely benign for Hereditary cancer-predisposing syndrome. Last evaluated: 2025-05-04. Review status: criteria provided, single submitter. Criteria: Ambry Variant Classification Scheme 2023. Collection method: clinical testing. Allele origin: germline.

Labcorp Genetics (formerly Invitae), Labcorp
Classification: Uncertain significance for Hereditary breast ovarian cancer syndrome. Last evaluated: 2023-11-28. Review status: criteria provided, single submitter. Criteria: Invitae Variant Classification Sherloc (09022015). Collection method: clinical testing. Allele origin: germline.
Comment: This sequence change replaces leucine, which is neutral and non-polar, with proline, which is neutral and non-polar, at codon 996 of the BRCA2 protein (p.Leu996Pro). This variant is not present in population databases (gnomAD no frequency). This variant has not been reported in the literature in individuals affected with BRCA2-related conditions. Advanced modeling of protein sequence and biophysical properties (such as structural, functional, and spatial information, amino acid conservation, physicochemical variation, residue mobility, and thermodynamic stability) performed at Invitae indicates that this missense variant is not expected to disrupt BRCA2 protein function with a negative predictive value of 95%. In summary, the available evidence is currently insufficient to determine the role of this variant in disease. Therefore, it has been classified as a Variant of Uncertain Significance.

NM_000059.4(BRCA2):c.2987T>C (p.Leu996Pro)

Gene: BRCA2 (BRCA2 DNA repair associated; plus strand). Cytogenetic location: 13q13.1.
Variant type: single nucleotide variant.
Coding change: c.2987T>C on transcript NM_000059.4 (MANE Select); coding-DNA position 2987, T replaced by C.
Protein change: p.Leu996Pro; replaces leucine 996 with proline.
Molecular consequence: missense variant. On other transcripts: non-coding transcript variant (1), intron variant (2).
Genome position (GRCh38, 1-based): chr13:32,337,342, T>C. VCF-style: chr13-32337342-T-C. GRCh37 (hg19) VCF-style: chr13-32911479-T-C.
Other names: c.2987T>C, p.Leu996Pro (NM_001406719.1, NM_001406720.1); c.1909+3955T>C (NM_001406721.1); c.424+6312T>C (NM_001406722.1); short protein forms L996P.
Identifiers: ClinVar variation 3023627 (VCV003023627.4), dbSNP rs80358545, ClinGen allele CA387774596.